The following is an entry in ClinVar:

NM_000179.3(MSH6):c.3923_3940dup (p.Ile1313_Gln1314insLeuProGluGluValIle)

Gene: MSH6 (mutS homolog 6; plus strand). Cytogenetic location: 2p16.3.
Variant type: Duplication.
Coding change: c.3923_3940dup on transcript NM_000179.3 (MANE Select); coding-DNA positions 3923 to 3940, 18 bases duplicated (TCCCAGAGGAAGTTATTC).
Protein change: p.Ile1313_Gln1314insLeuProGluGluValIle.
Molecular consequence: non-coding transcript variant (on NR_176256.1). On other transcripts: intron variant (1).
Genome position (GRCh38, 1-based): chr2:47,806,573-47,806,590, TCCCAGAGGAAGTTATTC duplicated; duplicating any 18 consecutive bases within chr2:47,806,571-47,806,590 gives the same sequence; the c. name uses the placement nearest the transcript's 3' end. VCF-style (leftmost placement, unchanged base first): chr2-47806570-A-ATCTCCCAGAGGAAGTTAT. GRCh37 (hg19) VCF-style: chr2-48033709-A-ATCTCCCAGAGGAAGTTAT.
Other names: c.3910_3927dup, p.Phe1309_Lys1310insSerGlnArgLysLeuPhe (NM_001406800.1); c.3626_3643dup, p.Ile1214_Gln1215insLeuProGluGluValIle (NM_001406801.1, NM_001406805.1, NM_001406818.1 and 10 more transcripts); c.3059_3076dup, p.Ile1025_Gln1026insLeuProGluGluValIle (NM_001406803.1); c.3845_3862dup, p.Ile1287_Gln1288insLeuProGluGluValIle (NM_001406804.1); c.3398_3415dup, p.Ile1138_Gln1139insLeuProGluGluValIle (NM_001406806.1, NM_001406807.1, NM_001406799.1); c.3923_3940dup, p.Ile1313_Gln1314insLeuProGluGluValIle (NM_001406808.1, NM_001406809.1, NM_001406796.1); c.3017_3034dup, p.Ile1011_Gln1012insLeuProGluGluValIle (NM_001406811.1, NM_001406812.1, NM_001406814.1 and 6 more transcripts); c.3929_3946dup, p.Ile1315_Gln1316insLeuProGluGluValIle (NM_001406813.1); and 9 more.
Identifiers: ClinVar variation 3779962 (VCV003779962.2).

ClinVar aggregate classification (germline): Conflicting classifications of pathogenicity. Review status: criteria provided, conflicting classifications (1 of 4 stars). 2 submissions from 2 submitters: Likely pathogenic (1); Uncertain significance (1). Last evaluated 2025-11-13.

Conditions:
Lynch syndrome 5 (LYNCH5). Also called: Colorectal cancer, hereditary nonpolyposis, type 5; Hereditary non-polyposis colorectal cancer, type 5. Identifiers: Orphanet 144, MedGen C1833477, MONDO:0013710, OMIM 614350. Disease mechanism: loss of function.
Mismatch repair cancer syndrome 3. Identifiers: MedGen C5436807, MONDO:0030841, OMIM 619097.

Submissions (2):

University of Washington Department of Laboratory Medicine, University of Washington
Classification: Likely pathogenic for Lynch syndrome 5. Last evaluated: 2025-11-13. Review status: criteria provided, single submitter. Criteria: Shirts BH et al. (Am J Hum Genet 2018). Collection method: clinical testing. Allele origin: germline. Affected: yes.
Comment: We classify the MSH6 c.3923_3940dup (p.Ile1313_Gln1314insLeuProGluGluValIle) variant as likely pathogenic based on internal evidence. Tumor testing revealed a single somatic pathogenic MSH6 mutation, supporting biallelic inactivation of MSH6 and fulfilling PS3_supporting based on tumor functional evidence. The use of tumor molecular features and somatic evidence to inform germline variant classification has been described in the literature (Shirts et al., 2018. Genet Med. PMID: 29887214). The duplicated residues lie within a highly conserved region of the MSH6 protein; notably, adjacent residues are evolutionarily conserved, suggesting structural and functional importance of this region. The variant is absent from large population databases, including gnomAD v4.0.0, meeting PM2_supporting. This in-frame duplication results in a protein length change within a non-repeat region, meeting PM4. The patient’s tumor phenotype, colon cancer with isolated MSH6 loss and MSI-High status, is highly specific for Lynch syndrome associated with pathogenic MSH6 variants, providing PP4. Our internal evidence demonstrating biallelic inactivation, phenotypic concordance, conservation of the affected region, and absence from population databases support a likely pathogenic classification for MSH6 NM_000179.3c.3923_3940dup variant.

Department of Pathology and Laboratory Medicine, Sinai Health System
Classification: Uncertain significance for Mismatch repair cancer syndrome 3. Last evaluated: 2023-11-10. Review status: criteria provided, single submitter. Criteria: ACMG Guidelines, 2015. Collection method: clinical testing. Allele origin: germline. Affected: yes.